The following is an entry in ClinVar:

ClinVar aggregate classification (germline): Uncertain significance. Review status: criteria provided, multiple submitters, no conflicts (2 of 4 stars). 2 submissions from 2 submitters: Uncertain significance (2). Last evaluated 2024-10-21.

Allele frequency attached by ClinVar (database versions not stated): TOPMed below 0.00001; gnomAD 0.00001; gnomAD exomes 0.00001; ExAC 0.00002; ESP Exome Variant Server 0.00008; 1000 Genomes Project 30x 0.00016; 1000 Genomes Project 0.00020.
gnomAD v4.1: 5 of 1,613,956 alleles (0.00031%); highest among the groups gnomAD compares: African/African-American, 0.004%; no homozygotes.

Submissions (2):

Labcorp Genetics (formerly Invitae), Labcorp
Classification: Uncertain significance. Last evaluated: 2024-10-21. Review status: criteria provided, single submitter. Criteria: Invitae Variant Classification Sherloc (09022015). Collection method: clinical testing. Allele origin: germline.
Comment: This sequence change replaces glutamine, which is neutral and polar, with arginine, which is basic and polar, at codon 368 of the LRP5 protein (p.Gln368Arg). This variant is present in population databases (rs372337584, gnomAD 0.02%). This variant has not been reported in the literature in individuals affected with LRP5-related conditions. ClinVar contains an entry for this variant (Variation ID: 2167916). Invitae Evidence Modeling of protein sequence and biophysical properties (such as structural, functional, and spatial information, amino acid conservation, physicochemical variation, residue mobility, and thermodynamic stability) has been performed for this missense variant. However, the output from this modeling did not meet the statistical confidence thresholds required to predict the impact of this variant on LRP5 protein function. In summary, the available evidence is currently insufficient to determine the role of this variant in disease. Therefore, it has been classified as a Variant of Uncertain Significance.

Blueprint Genetics
Classification: Uncertain significance. Last evaluated: 2022-10-31. Review status: criteria provided, single submitter. Criteria: ACMG Guidelines, 2015. Collection method: clinical testing. Allele origin: germline.

NM_002335.4(LRP5):c.1103A>G (p.Gln368Arg)

Gene: LRP5 (LDL receptor related protein 5; plus strand). Cytogenetic location: 11q13.2.
Variant type: single nucleotide variant.
Coding change: c.1103A>G on transcript NM_002335.4 (MANE Select); coding-DNA position 1103, A replaced by G.
Protein change: p.Gln368Arg; replaces glutamine 368 with arginine.
Molecular consequence: missense variant. On other transcripts: 5 prime UTR variant (1).
Genome position (GRCh38, 1-based): chr11:68,386,403, A>G. VCF-style: chr11-68386403-A-G. GRCh37 (hg19) VCF-style: chr11-68153871-A-G.
Other names: c.-663A>G (NM_001291902.2); short protein forms Q368R.
Identifiers: ClinVar variation 2167916 (VCV002167916.5), dbSNP rs372337584, ClinGen allele CA6149246.